The following is an entry in ClinVar:

ClinVar aggregate classification (germline): Pathogenic/Likely pathogenic. Review status: criteria provided, multiple submitters, no conflicts (2 of 4 stars). 10 submissions from 9 submitters: Pathogenic (5); Likely pathogenic (4). 1 of the submissions does not count toward it. Last evaluated 2025-07-29.

Conditions:
Bronchiectasis with or without elevated sweat chloride 1 (BESC1). Also called: Cystic Fibrosis-Like Syndrome. Identifiers: Orphanet 60033, MedGen C2749757, MONDO:0008887, OMIM 211400.
Cystic fibrosis (CF). Also called: MUCOVISCIDOSIS. Identifiers: Orphanet 586, MedGen C0010674, MONDO:0009061, OMIM 219700. Disease mechanism: loss of function.
Congenital bilateral aplasia of vas deferens from CFTR mutation (CBAVD). Identifiers: Orphanet 48, MedGen C0403814, MONDO:0010178, OMIM 277180. Disease mechanism: loss of function.
Hereditary pancreatitis (PCTT). Also called: Hereditary chronic pancreatitis; PRSS1-Related Hereditary Pancreatitis. Identifiers: Orphanet 676, MedGen C0238339, MONDO:0008185, OMIM 167800.
CFTR-related disorder (CFTR-RD). Also called: CFTR-related disorders; CFTR-related condition. Identifiers: MedGen C5924204, MONDO:7770004.

Allele frequency attached by ClinVar (database versions not stated): ExAC 0.00001; gnomAD exomes below 0.00001; TOPMed 0.00001; gnomAD 0.00001.
gnomAD v4.1: 4 of 1,613,944 alleles (0.00025%); highest among the groups gnomAD compares: African/African-American, 0.0027%; no homozygotes.

Submissions (10):

Natera, Inc.
Classification: Pathogenic for CFTR-related disorders. Last evaluated: 2025-07-29. Review status: criteria provided, single submitter. Criteria: Natera Variant Classification Schema (03/2026). Collection method: clinical testing. Allele origin: germline.
Comment: The c.2738A>G variant in CFTR is a missense variant predicted to cause substitution of tyrosine to cysteine at amino acid 913. This variant is rare in the general population with a frequency below the threshold expected for the associated phenotype(s). This variant has been observed in one or more individuals affected with the associated recessive disease, as either homozygous or compound heterozygous with a second variant (PMID: 2045102, 17914215, 28830496). Computational prediction algorithms indicate this variant is likely to affect gene or protein function. Given the available evidence, this variant is classified as Pathogenic.

Ambry Genetics
Classification: Pathogenic for Cystic fibrosis. Last evaluated: 2025-03-12. Review status: criteria provided, single submitter. Criteria: Ambry Variant Classification Scheme 2023. Collection method: clinical testing. Allele origin: germline.
Comment: The p.Y913C pathogenic mutation (also known as c.2738A>G), located in coding exon 17 of the CFTR gene, results from an A to G substitution at nucleotide position 2738. The tyrosine at codon 913 is replaced by cysteine, an amino acid with highly dissimilar properties. It was also identified in two Belgian individuals diagnosed with cystic fibrosis and elevated sweat chloride levels; both individuals had a second pathogenic CFTR alteration, but phase was not provided (Van Biervliet S et al. Ann. Nutr. Metab., 2007 Jan;51:541-9; De Wachter E et al. Orphanet J Rare Dis, 2017 Aug;12:142). In an assay testing CFTR function, this variant showed a functionally abnormal result (Bihler H et al. J Cyst Fibros, 2024 Jul;23:664-675). This amino acid position is not well conserved in available vertebrate species. In addition, this alteration is predicted to be deleterious by in silico analysis. Based on the supporting evidence, this variant is interpreted as a disease-causing mutation.

Labcorp Genetics (formerly Invitae), Labcorp
Classification: Pathogenic for Cystic fibrosis. Last evaluated: 2025-01-26. Review status: criteria provided, single submitter. Criteria: Invitae Variant Classification Sherloc (09022015). Collection method: clinical testing. Allele origin: germline.
Comment: This sequence change replaces tyrosine, which is neutral and polar, with cysteine, which is neutral and slightly polar, at codon 913 of the CFTR protein (p.Tyr913Cys). This variant is present in population databases (rs121909008, gnomAD 0.007%). This missense change has been observed in individual(s) with cystic fibrosis (PMID: 2210768, 18766277, 28830496). In at least one individual the data is consistent with being in trans (on the opposite chromosome) from a pathogenic variant. This variant is also known as 2870A>G. ClinVar contains an entry for this variant (Variation ID: 7128). Invitae Evidence Modeling of protein sequence and biophysical properties (such as structural, functional, and spatial information, amino acid conservation, physicochemical variation, residue mobility, and thermodynamic stability) indicates that this missense variant is expected to disrupt CFTR protein function with a positive predictive value of 80%. For these reasons, this variant has been classified as Pathogenic.

Fulgent Genetics
Classification: Likely pathogenic for Hereditary pancreatitis; Bronchiectasis with or without elevated sweat chloride 1; Cystic fibrosis; Congenital bilateral aplasia of vas deferens from CFTR mutation. Last evaluated: 2024-04-16. Review status: criteria provided, single submitter. Criteria: ACMG Guidelines, 2015. Collection method: clinical testing. Allele origin: germline.

Baylor Genetics
Classification: Likely pathogenic for Bronchiectasis with or without elevated sweat chloride 1. Last evaluated: 2024-01-05. Review status: criteria provided, single submitter. Criteria: ACMG Guidelines, 2015. Collection method: clinical testing. Allele origin: unknown.

Institute of Human Genetics, University of Leipzig Medical Center
Classification: Likely pathogenic for Cystic fibrosis. Last evaluated: 2022-09-05. Review status: criteria provided, single submitter. Criteria: ACMG Guidelines, 2015. Collection method: curation. Allele origin: unknown. Affected: yes. Observed: 1 variant allele.
Comment: The variant was classified in the context of a project re-classifying variants in the German Cystic Fibrosis Registry (Muko.e.V.). Criteria applied: PS3_SUP, PM2_SUP, PM3_STR, PP3, PP4

Women's Health and Genetics/Laboratory Corporation of America, LabCorp
Classification: Pathogenic for Cystic fibrosis. Last evaluated: 2021-11-23. Review status: criteria provided, single submitter. Criteria: LabCorp Variant Classification Summary - May 2015. Collection method: clinical testing. Allele origin: germline.
Comment: Variant summary: CFTR c.2738A>G (p.Tyr913Cys) results in a non-conservative amino acid change located in the ABC transporter type 1, transmembrane domain (IPR011527) of the encoded protein sequence. This variant is lines the channel-pore as it is present in the eighth of the CFTR's 12 membrane spanning segments (TM8) (Negoda_2019). Five of five in-silico tools predict a damaging effect of the variant on protein function. The variant allele was found at a frequency of 4e-06 in 251450 control chromosomes. c.2738A>G has been reported in the literature as a compound heterozygous genotype or without a second allele specified in multiple individuals affected with Classic Cystic Fibrosis (example, Vidaud_1990, Gasparini_1991, Macek_1997, VanBiervliet_2007, Claustres_2000, Ramirez_2006). These data indicate that the variant is very likely to be associated with disease. At least one publication reports experimental evidence evaluating an impact on protein function using patch-clamp recording and suggest that pore-lining TM8 is among the most important transmembrane segment controlling the permeation phenotype of the CFTR channel, and also that movement of TM8 may be critically involved in channel gating (Negoda_2019). One clinical diagnostic laboratory has submitted clinical-significance assessments for this variant to ClinVar after 2014 without evidence for independent evaluation and classified the variant as pathogenic. Based on the evidence outlined above, the variant was classified as pathogenic.

Baylor Genetics
Classification: Likely pathogenic for Congenital bilateral aplasia of vas deferens from CFTR mutation; Cystic fibrosis. Review status: criteria provided, single submitter. Criteria: ACMG Guidelines, 2015. Collection method: clinical testing. Allele origin: germline.

Neuberg Centre For Genomic Medicine, NCGM
Classification: Pathogenic for Cystic fibrosis. Review status: criteria provided, single submitter. Criteria: ACMG Guidelines, 2015. Collection method: clinical testing. Allele origin: germline. Inheritance: Autosomal recessive inheritance. Affected: yes.
Comment: The missense c.2738A>G(p.Tyr913Cys) variant in CFTR gene has been reported previously in compound heterozygous state in multiple individuals affected with CFTR related disorder (De Wachter E, et. al., 2017; Oller de Ramírez AM, et. al., 2006). Experimental evidence suggests this missense change affects CFTR function (Negoda A et al. 2019). The p.Tyr913Cys variant is present with allele frequency of 0.0004% in gnomAD Exomes. This variant has been submitted to the ClinVar database as Likely Pathogenic / Pathogenic (multiple submitters). Multiple lines of computational evidence (Polyphen - Probably damaging, SIFT – Damaging and Mutation Taster - Disease causing) predict a damaging effect on protein structure and function for this variant. The reference amino acid at this position on CFTR gene is predicted as conserved by PhyloP across 100 vertebrates. The amino acid Tyr at position 913 is changed to a Cys changing protein sequence and it might alter its composition and physico-chemical properties. For these reasons, this variant has been classified as Pathogenic.

OMIM
Classification: Pathogenic for CYSTIC FIBROSIS. Last evaluated: 1990-09-01. Review status: no assertion criteria provided. Collection method: literature only. Allele origin: germline. Not counted in ClinVar's aggregate classification.

Literature cited by the submitters: PubMed 2045102 (cited by Natera, Inc. and Women's Health and Genetics/Laboratory Corporation of America, LabCorp); PubMed 17914215 (cited by Natera, Inc.); PubMed 28830496 (cited by 3 submitters); PubMed 16423550 (cited by Ambry Genetics and Women's Health and Genetics/Laboratory Corporation of America, LabCorp); PubMed 18227622 (cited by Ambry Genetics and Women's Health and Genetics/Laboratory Corporation of America, LabCorp); PubMed 2210768 (cited by 4 submitters); PubMed 38388235 (cited by Ambry Genetics); PubMed 9150159 (cited by Ambry Genetics and Women's Health and Genetics/Laboratory Corporation of America, LabCorp); PubMed 18766277 (cited by Labcorp Genetics (formerly Invitae), Labcorp); PubMed 1379210 (cited by Women's Health and Genetics/Laboratory Corporation of America, LabCorp); PubMed 7525963 (cited by Women's Health and Genetics/Laboratory Corporation of America, LabCorp); PubMed 10923036 (cited by Women's Health and Genetics/Laboratory Corporation of America, LabCorp); PubMed 1284534 (cited by Women's Health and Genetics/Laboratory Corporation of America, LabCorp); PubMed 1372093 (cited by Women's Health and Genetics/Laboratory Corporation of America, LabCorp); PubMed 30758641 (cited by Women's Health and Genetics/Laboratory Corporation of America, LabCorp); PubMed 26500004 (cited by Women's Health and Genetics/Laboratory Corporation of America, LabCorp).

NM_000492.4(CFTR):c.2738A>G (p.Tyr913Cys)

Gene: CFTR (CF transmembrane conductance regulator; plus strand). Cytogenetic location: 7q31.2.
Variant type: single nucleotide variant.
Coding change: c.2738A>G on transcript NM_000492.4 (MANE Select); coding-DNA position 2738, A replaced by G.
Protein change: p.Tyr913Cys; replaces tyrosine 913 with cysteine.
Molecular consequence: missense variant.
Genome position (GRCh38, 1-based): chr7:117,603,612, A>G. VCF-style: chr7-117603612-A-G. GRCh37 (hg19) VCF-style: chr7-117243666-A-G.
Other names: short protein forms Y913C.
Identifiers: ClinVar variation 7128 (VCV000007128.22), dbSNP rs121909008, ClinGen allele CA325529.
Genomic context (GRCh38, chr7:117,603,612, plus strand): 5'-GGAATAGTACTCATAGTAGAAATAACAGCTATGCAGTGATTATCACCAGCACCAGTTCGT[A>G]TTATGTGTTTTACATTTACGTGGGAGTAGCCGACACTTTGCTTGCTATGGGATTCTTCAG-3'
Protein context (NP_000483.3, residues 903-923): YAVIITSTSS[Tyr913Cys]YVFYIYVGVA